The following is an entry in ClinVar:

ClinVar aggregate classification (germline): Uncertain significance (1 of 4 stars; one submission).

Conditions:
KCNN3-related disorder. Also called: KCNN3-related condition.

Submission:

PreventionGenetics, part of Exact Sciences
Classification: Uncertain significance for KCNN3-related condition. Last evaluated: 2025-06-06. Review status: criteria provided, single submitter. Criteria: ACMG Guidelines, 2015. Collection method: clinical testing. Allele origin: germline.
Comment: The KCNN3 c.789C>A variant is predicted to result in the amino acid substitution p.Asn263Lys. To our knowledge, this variant has not been reported in the literature or in a large population database (gnomAD), indicating this variant is rare. At this time, the clinical significance of this variant is uncertain due to the absence of conclusive functional and genetic evidence.

NM_002249.6(KCNN3):c.789C>A (p.Asn263Lys)

Gene: KCNN3 (potassium calcium-activated channel subfamily N member 3; minus strand). Cytogenetic location: 1q21.3.
Variant type: single nucleotide variant.
Coding change: c.789C>A on transcript NM_002249.6 (MANE Select); coding-DNA position 789, C replaced by A.
Protein change: p.Asn263Lys; replaces asparagine 263 with lysine.
Molecular consequence: missense variant.
Genome position (GRCh38, 1-based): chr1:154,869,176, G>T on the plus strand (C>A on the coding strand, the complement: KCNN3 is on the minus strand). VCF-style: chr1-154869176-G-T. GRCh37 (hg19) VCF-style: chr1-154841652-G-T.
Other names: c.789C>A, p.Asn263Lys (NM_001204087.2); short protein forms N263K.
Identifiers: ClinVar variation 5000057 (VCV005000057.1).
Genomic context (GRCh38, chr1:154,869,176, plus strand): 5'-CAGTCGCTTTCTCTTTTCAAACAGGGCCCTCCTGTGTCCCAGCTTATAGCCAATGTTTTG[G>T]TTTTTCCGCTTGTTGGCTTTGGGGAAGGTGGTGCTGCTGGCGGTGGTGCCGGCATGCTGG-3'
Protein context (NP_002240.3, residues 253-273): TTFPKANKRK[Asn263Lys]QNIGYKLGHR